The following is an entry in ClinVar:

ClinVar aggregate classification (germline): Uncertain significance. Review status: criteria provided, single submitter (1 of 4 stars). 2 submissions from 2 submitters: Uncertain significance (1). 1 of the submissions does not count toward it. Last evaluated 2025-01-15.

Conditions:
Inborn genetic diseases. Identifiers: MedGen C0950123, MeSH D030342.
Kostmann syndrome (SCN3). Also called: KOSTMANN DISEASE; Autosomal recessive severe congenital neutropenia type 3. Identifiers: Orphanet 99749, MedGen C5235141, MONDO:0012548, OMIM 610738.

Submissions (2):

Ambry Genetics
Classification: Uncertain significance for Inborn genetic diseases. Last evaluated: 2025-01-15. Review status: criteria provided, single submitter. Criteria: Ambry Variant Classification Scheme 2023. Collection method: clinical testing. Allele origin: germline.
Comment: The p.E244K variant (also known as c.730G>A), located in coding exon 6 of the HAX1 gene, results from a G to A substitution at nucleotide position 730. The glutamic acid at codon 244 is replaced by lysine, an amino acid with similar properties. This amino acid position is conserved. In addition, this alteration is predicted to be tolerated by in silico analysis. Based on the available evidence, the clinical significance of this variant remains unclear.

Natera, Inc.
Classification: Uncertain significance for Autosomal recessive severe congenital neutropenia type 3. Last evaluated: 2025-04-10. Review status: no assertion criteria provided. Collection method: clinical testing. Allele origin: germline. Not counted in ClinVar's aggregate classification.

NM_006118.4(HAX1):c.730G>A (p.Glu244Lys)

Gene: HAX1 (HCLS1 associated protein X-1; plus strand). Cytogenetic location: 1q21.3.
Variant type: single nucleotide variant.
Coding change: c.730G>A on transcript NM_006118.4 (MANE Select); coding-DNA position 730, G replaced by A.
Protein change: p.Glu244Lys; replaces glutamic acid 244 with lysine.
Molecular consequence: missense variant.
Genome position (GRCh38, 1-based): chr1:154,275,459, G>A. VCF-style: chr1-154275459-G-A. GRCh37 (hg19) VCF-style: chr1-154247935-G-A.
Other names: c.586G>A, p.Glu196Lys (NM_001018837.2); short protein forms E196K, E244K.
Identifiers: ClinVar variation 3283566 (VCV003283566.3).